The following is an entry in ClinVar:

NM_000540.3(RYR1):c.12887G>C (p.Arg4296Pro)

Gene: RYR1 (ryanodine receptor 1; plus strand). Cytogenetic location: 19q13.2.
Variant type: single nucleotide variant.
Coding change: c.12887G>C on transcript NM_000540.3 (MANE Select); coding-DNA position 12887, G replaced by C.
Protein change: p.Arg4296Pro; replaces arginine 4296 with proline.
Molecular consequence: missense variant.
Genome position (GRCh38, 1-based): chr19:38,565,221, G>C. VCF-style: chr19-38565221-G-C. GRCh37 (hg19) VCF-style: chr19-39055861-G-C.
Other names: c.12872G>C, p.Arg4291Pro (NM_001042723.2); short protein forms R4291P, R4296P.
Identifiers: ClinVar variation 2418723 (VCV002418723.7), dbSNP rs1182176099, ClinGen allele CA405672454.
Genomic context (GRCh38, chr19:38,565,221, plus strand): 5'-AGGAGGGCGCGGCGGGGCTCGAGGGCACGGCGGCCACGGCGGCGGCGGGGGCGACGGCGC[G>C]GGTTGTGGCGGCCGCAGGCCGGGCCCTGCGAGGCCTCAGCTACCGCAGCCTGCGGCGGCG-3'
Protein context (NP_000531.2, residues 4286-4306): AATAAAGATA[Arg4296Pro]VVAAAGRALR

ClinVar aggregate classification (germline): Uncertain significance. Review status: criteria provided, multiple submitters, no conflicts (2 of 4 stars). 2 submissions from 2 submitters: Uncertain significance (2). Last evaluated 2024-05-20.

Conditions:
Inborn genetic diseases. Identifiers: MedGen C0950123, MeSH D030342.
RYR1-related disorder. Also called: RYR1-related condition; RYR1-related disorders. Identifiers: MedGen CN239331.

Allele frequency attached by ClinVar (database versions not stated): gnomAD exomes below 0.00001.
gnomAD v4.1: 1 of 990,376 alleles (0.0001%); highest among the groups gnomAD compares: Non-Finnish European, 0.00012%; no homozygotes.

Submissions (2):

Labcorp Genetics (formerly Invitae), Labcorp
Classification: Uncertain significance for RYR1-related disorder. Last evaluated: 2024-05-20. Review status: criteria provided, single submitter. Criteria: Invitae Variant Classification Sherloc (09022015). Collection method: clinical testing. Allele origin: germline.
Comment: This sequence change replaces arginine, which is basic and polar, with proline, which is neutral and non-polar, at codon 4296 of the RYR1 protein (p.Arg4296Pro). This variant is not present in population databases (gnomAD no frequency). This variant has not been reported in the literature in individuals affected with RYR1-related conditions. ClinVar contains an entry for this variant (Variation ID: 2418723). Advanced modeling of protein sequence and biophysical properties (such as structural, functional, and spatial information, amino acid conservation, physicochemical variation, residue mobility, and thermodynamic stability) performed at Invitae indicates that this missense variant is not expected to disrupt RYR1 protein function with a negative predictive value of 95%. In summary, the available evidence is currently insufficient to determine the role of this variant in disease. Therefore, it has been classified as a Variant of Uncertain Significance.

Ambry Genetics
Classification: Uncertain significance for Inborn genetic diseases. Last evaluated: 2024-02-06. Review status: criteria provided, single submitter. Criteria: Ambry Variant Classification Scheme 2023. Collection method: clinical testing. Allele origin: germline.